The following is an entry in ClinVar:

NM_017739.4(POMGNT1):c.1457G>A (p.Arg486Gln)

Genes: POMGNT1 (protein O-linked mannose N-acetylglucosaminyltransferase 1 (beta 1,2-); minus strand), TSPAN1 (tetraspanin 1; plus strand). Cytogenetic location: 1p34.1.
Variant type: single nucleotide variant.
Coding change: c.1457G>A on transcript NM_017739.4 (MANE Select); coding-DNA position 1457, G replaced by A.
Protein change: p.Arg486Gln; replaces arginine 486 with glutamine.
Molecular consequence: missense variant.
Genome position (GRCh38, 1-based): chr1:46,192,180, C>T on the plus strand (G>A on the coding strand, the complement: POMGNT1 is on the minus strand). VCF-style: chr1-46192180-C-T. GRCh37 (hg19) VCF-style: chr1-46657852-C-T.
Other names: c.1028G>A, p.Arg343Gln (NM_001290130.2); c.1457G>A, p.Arg486Gln (NM_001410783.1, NM_001243766.2); c.1391G>A, p.Arg464Gln (NM_001290129.3); short protein forms R486Q, R343Q, R464Q.
Identifiers: ClinVar variation 286190 (VCV000286190.15), dbSNP rs753030030, ClinGen allele CA833364.

ClinVar aggregate classification (germline): Uncertain significance. Review status: criteria provided, multiple submitters, no conflicts (2 of 4 stars). 3 submissions from 3 submitters: Uncertain significance (3). Last evaluated 2024-11-05.

Conditions:
Inborn genetic diseases. Identifiers: MedGen C0950123, MeSH D030342.
Muscular dystrophy-dystroglycanopathy (congenital with brain and eye anomalies), type A3. Also called: Congenital muscular dystrophy-dystroglycanopathy with brain and eye anomalies, type A3; WALKER-WARBURG SYNDROME OR MUSCLE-EYE-BRAIN DISEASE, POMGNT1-RELATED; Muscular dystrophy-dystroglycanopathy (congenital with brain and eye anomalies), type A, 3. Identifiers: MedGen C3151519, MONDO:0009667, OMIM 253280.
Muscular dystrophy-dystroglycanopathy (congenital with impaired intellectual development), type B, 3. Also called: Muscular dystrophy-dystroglycanopathy (congenital with intellectual disability), type B3; MUSCULAR DYSTROPHY, CONGENITAL, POMGNT1-RELATED. Identifiers: MedGen C3150412, MONDO:0013155, OMIM 613151.
Autosomal recessive limb-girdle muscular dystrophy type 2O. Also called: MUSCULAR DYSTROPHY-DYSTROGLYCANOPATHY, LIMB-GIRDLE, POMGNT1-RELATED; Limb-Girdle Muscular Dystrophy Type 3C; MUSCULAR DYSTROPHY-DYSTROGLYCANOPATHY (LIMB-GIRDLE), TYPE C, 3. Identifiers: Orphanet 206564, MedGen C3150417, MONDO:0013161, OMIM 613157.

Allele frequency attached by ClinVar (database versions not stated): gnomAD exomes 0.00002; TOPMed 0.00002; ExAC 0.00002; gnomAD 0.00002.
gnomAD v4.1: 35 of 1,614,078 alleles (0.0022%); highest among the groups gnomAD compares: East Asian, 0.0045%; no homozygotes.

Submissions (3):

Labcorp Genetics (formerly Invitae), Labcorp
Classification: Uncertain significance for Autosomal recessive limb-girdle muscular dystrophy type 2O; Muscular dystrophy-dystroglycanopathy (congenital with impaired intellectual development), type B, 3. Last evaluated: 2024-11-05. Review status: criteria provided, single submitter. Criteria: Invitae Variant Classification Sherloc (09022015). Collection method: clinical testing. Allele origin: germline.
Comment: This sequence change replaces arginine, which is basic and polar, with glutamine, which is neutral and polar, at codon 486 of the POMGNT1 protein (p.Arg486Gln). This variant is present in population databases (rs753030030, gnomAD 0.005%). This variant has not been reported in the literature in individuals affected with POMGNT1-related conditions. ClinVar contains an entry for this variant (Variation ID: 286190). Invitae Evidence Modeling of protein sequence and biophysical properties (such as structural, functional, and spatial information, amino acid conservation, physicochemical variation, residue mobility, and thermodynamic stability) indicates that this missense variant is not expected to disrupt POMGNT1 protein function with a negative predictive value of 95%. In summary, the available evidence is currently insufficient to determine the role of this variant in disease. Therefore, it has been classified as a Variant of Uncertain Significance.

Ambry Genetics
Classification: Uncertain significance for Inborn genetic diseases. Last evaluated: 2023-09-20. Review status: criteria provided, single submitter. Criteria: Ambry Variant Classification Scheme 2023. Collection method: clinical testing. Allele origin: germline.

Eurofins Ntd Llc (ga)
Classification: Uncertain significance. Last evaluated: 2016-02-02. Review status: criteria provided, single submitter. Criteria: EGL Classification Definitions 2015. Collection method: clinical testing. Allele origin: germline. Observed: 2 variant alleles, 2 heterozygotes.